The following is an entry in ClinVar:

NM_001854.4(COL11A1):c.4086+174C>G

Gene: COL11A1 (collagen type XI alpha 1 chain; minus strand). Cytogenetic location: 1p21.1.
Variant type: single nucleotide variant.
Coding change: c.4086+174C>G on transcript NM_001854.4 (MANE Select); 174 bases into the intron after coding-DNA position 4086, C replaced by G.
Molecular consequence: intron variant.
Genome position (GRCh38, 1-based): chr1:102,911,985, G>C on the plus strand (C>G on the coding strand, the complement: COL11A1 is on the minus strand). VCF-style: chr1-102911985-G-C. GRCh37 (hg19) VCF-style: chr1-103377541-G-C.
Other names: c.3969+174C>G (NM_001190709.2); c.4122+174C>G (NM_080629.3); c.3738+174C>G (NM_080630.4).
Identifiers: ClinVar variation 677982 (VCV000677982.1), dbSNP rs139205890, ClinGen allele CA27674125.

ClinVar aggregate classification (germline): Benign (1 of 4 stars; one submission).

Allele frequency attached by ClinVar (database versions not stated): 1000 Genomes Project 0.02117; 1000 Genomes Project 30x 0.02249; TOPMed 0.03234; gnomAD 0.03242 and 0.03339.
gnomAD v4.1: 4,937 of 152,280 alleles (3.2%); highest among the groups gnomAD compares: Middle Eastern, 8.5%; 111 homozygotes.

Submission:

GeneDx
Classification: Benign. Last evaluated: 2018-06-14. Review status: criteria provided, single submitter. Criteria: GeneDx Variant Classification (06012015). Collection method: clinical testing. Allele origin: germline. Affected: yes.
Comment: This variant is considered likely benign or benign based on one or more of the following criteria: it is a conservative change, it occurs at a poorly conserved position in the protein, it is predicted to be benign by multiple in silico algorithms, and/or has population frequency not consistent with disease.